The following is an entry in ClinVar:

ClinVar aggregate classification (germline): Pathogenic (1 of 4 stars; one submission).

Conditions:
pontocerebellar hypoplasia with cataract.

Submission:

Genomics, Clalit Research Institute, Clalit Health Care
Classification: Pathogenic for pontocerebellar hypoplasia with cataract. Review status: criteria provided, single submitter. Criteria: ACMG Guidelines, 2015. Collection method: research. Allele origin: inherited. Inheritance: Autosomal recessive inheritance. Affected: yes. Observed: 1 homozygote.
Comment: The variant is very rare, absent from the gnomAD [and internal] population datasets. Allelic data: This variant was reported in a homozygous state in patients with profound GDD, severe microcephaly, cataract and variably seizures. Prediction tools: REVEL predicts a deleterious effect on the gene or gene product (score 0.9). Experimental studies: Well-established in vitro or in vivo functional studies support a damaging effect on the gene or gene product (MED29 defect causes pontocerebellar hypoplasia with cataract). This variant is also known as c.416T>C | p.Leu139Pro

NM_017592.4(MED29):c.353T>C (p.Leu118Pro)

Gene: MED29 (mediator complex subunit 29; plus strand). Cytogenetic location: 19q13.2.
Variant type: single nucleotide variant.
Coding change: c.353T>C on transcript NM_017592.4 (MANE Select); coding-DNA position 353, T replaced by C.
Protein change: p.Leu118Pro; replaces leucine 118 with proline.
Molecular consequence: missense variant. On other transcripts: non-coding transcript variant (1).
Genome position (GRCh38, 1-based): chr19:39,393,630, T>C. VCF-style: chr19-39393630-T-C. GRCh37 (hg19) VCF-style: chr19-39884270-T-C.
Other names: ENST00000315588.5 Exon 3 | c.416T>C | p.Leu139Pro; c.353T>C, p.Leu118Pro (NM_001317770.3); short protein forms L118P.
Identifiers: ClinVar variation 3778699 (VCV003778699.1).